The following is an entry in ClinVar:

NM_201253.3(CRB1):c.*393T>C

Gene: CRB1 (crumbs cell polarity complex component 1; plus strand). Cytogenetic location: 1q31.3.
Variant type: single nucleotide variant.
Coding change: c.*393T>C on transcript NM_201253.3 (MANE Select); 393 bases downstream of the stop codon, T replaced by C.
Molecular consequence: 3 prime UTR variant. On other transcripts: non-coding transcript variant (2).
Genome position (GRCh38, 1-based): chr1:197,478,272, T>C. VCF-style: chr1-197478272-T-C. GRCh37 (hg19) VCF-style: chr1-197447402-T-C.
Other names: c.*393T>C (NM_001193640.2, NM_001257965.2, NM_001257966.2).
Identifiers: ClinVar variation 294695 (VCV000294695.5), dbSNP rs147966959, ClinGen allele CA10608732.

ClinVar aggregate classification (germline): Conflicting classifications of pathogenicity. Review status: criteria provided, conflicting classifications (1 of 4 stars). 3 submissions from 1 submitter: Uncertain significance (2); Benign (1). Last evaluated 2018-01-13.

Conditions:
Pigmented paravenous retinochoroidal atrophy. Identifiers: Orphanet 251295, MedGen C1868310, MONDO:0008246, OMIM 172870.
Leber congenital amaurosis 8 (LCA8). Identifiers: Orphanet 65, MedGen C3151202, MONDO:0013453, OMIM 613835.
Retinitis pigmentosa (RP). Identifiers: Orphanet 791, MedGen C0035334, MeSH D012174, MONDO:0019200, OMIM 268000. Inheritance: Autosomal dominant, autosomal recessive and X linked inheritance.

Allele frequency attached by ClinVar (database versions not stated): gnomAD exomes 0.00149; TOPMed 0.00216; 1000 Genomes Project 0.00339; gnomAD 0.00373 and 0.00376; 1000 Genomes Project 30x 0.00390.
gnomAD v4.1: 754 of 275,072 alleles (0.27%); highest among the groups gnomAD compares: Admixed American, 1.3%; 9 homozygotes.

Submissions (3):

Illumina Laboratory Services, Illumina
Classification: Benign for Pigmented paravenous retinochoroidal atrophy. Last evaluated: 2018-01-13. Review status: criteria provided, single submitter. Criteria: ICSL Variant Classification Criteria 13 December 2019. Collection method: clinical testing. Allele origin: germline.
Comment: This variant was observed in the ICSL laboratory as part of a predisposition screen in an ostensibly healthy population. It had not been previously curated by ICSL or reported in the Human Gene Mutation Database (HGMD: prior to June 1st, 2018), and was therefore a candidate for classification through an automated scoring system. Utilizing variant allele frequency, disease prevalence and penetrance estimates, and inheritance mode, an automated score was calculated to assess if this variant is too frequent to cause the disease. Based on the score and internal cut-off values, a variant classified as benign is not then subjected to further curation. The score for this variant resulted in a classification of benign for this disease.

Illumina Laboratory Services, Illumina
Classification: Uncertain significance for Retinitis pigmentosa. Last evaluated: 2018-01-13. Review status: criteria provided, single submitter. Criteria: ICSL Variant Classification Criteria 13 December 2019. Collection method: clinical testing. Allele origin: germline.

Illumina Laboratory Services, Illumina
Classification: Uncertain significance for Leber congenital amaurosis 8. Last evaluated: 2018-01-13. Review status: criteria provided, single submitter. Criteria: ICSL Variant Classification Criteria 13 December 2019. Collection method: clinical testing. Allele origin: germline.